The following is an entry in ClinVar:

ClinVar aggregate classification (germline): Uncertain significance (1 of 4 stars; one submission).

Submission:

Labcorp Genetics (formerly Invitae), Labcorp
Classification: Uncertain significance. Last evaluated: 2022-07-19. Review status: criteria provided, single submitter. Criteria: Invitae Variant Classification Sherloc (09022015). Collection method: clinical testing. Allele origin: germline.
Comment: This sequence change replaces glutamic acid, which is acidic and polar, with alanine, which is neutral and non-polar, at codon 2002 of the MYO15A protein (p.Glu2002Ala). This variant is not present in population databases (gnomAD no frequency). This variant has not been reported in the literature in individuals affected with MYO15A-related conditions. Advanced modeling of protein sequence and biophysical properties (such as structural, functional, and spatial information, amino acid conservation, physicochemical variation, residue mobility, and thermodynamic stability) performed at Invitae indicates that this missense variant is not expected to disrupt MYO15A protein function. In summary, the available evidence is currently insufficient to determine the role of this variant in disease. Therefore, it has been classified as a Variant of Uncertain Significance.

NM_016239.4(MYO15A):c.6005A>C (p.Glu2002Ala)

Gene: MYO15A (myosin XVA; plus strand). Cytogenetic location: 17p11.2.
Variant type: single nucleotide variant.
Coding change: c.6005A>C on transcript NM_016239.4 (MANE Select); coding-DNA position 6005, A replaced by C.
Protein change: p.Glu2002Ala; replaces glutamic acid 2002 with alanine.
Molecular consequence: missense variant.
Genome position (GRCh38, 1-based): chr17:18,143,755, A>C. VCF-style: chr17-18143755-A-C. GRCh37 (hg19) VCF-style: chr17-18047069-A-C.
Other names: short protein forms E2002A.
Identifiers: ClinVar variation 2022512 (VCV002022512.4), dbSNP rs2545265662, ClinGen allele CA398605445.